The following is an entry in ClinVar:

NM_033026.6(PCLO):c.10859C>G (p.Pro3620Arg)

Gene: PCLO (piccolo presynaptic cytomatrix protein; minus strand). Cytogenetic location: 7q21.11.
Variant type: single nucleotide variant.
Coding change: c.10859C>G on transcript NM_033026.6 (MANE Select); coding-DNA position 10859, C replaced by G.
Protein change: p.Pro3620Arg; replaces proline 3620 with arginine.
Molecular consequence: missense variant.
Genome position (GRCh38, 1-based): chr7:82,949,729, G>C on the plus strand (C>G on the coding strand, the complement: PCLO is on the minus strand). VCF-style: chr7-82949729-G-C. GRCh37 (hg19) VCF-style: chr7-82579045-G-C.
Other names: c.10859C>G (NM_033026.5); c.10859C>G, p.Pro3620Arg (NM_014510.3); short protein forms P3620R.
Identifiers: ClinVar variation 1445773 (VCV001445773.7), dbSNP rs771659468, ClinGen allele CA4319668.

ClinVar aggregate classification (germline): Uncertain significance. Review status: criteria provided, multiple submitters, no conflicts (2 of 4 stars). 2 submissions from 2 submitters: Uncertain significance (2). Last evaluated 2023-06-15.

Allele frequency attached by ClinVar (database versions not stated): gnomAD exomes 0.00001; ExAC 0.00002.
gnomAD v4.1: 5 of 1,613,752 alleles (0.00031%); highest among the groups gnomAD compares: South Asian, 0.0055%; no homozygotes.

Submissions (2):

GeneDx
Classification: Uncertain significance. Last evaluated: 2023-06-15. Review status: criteria provided, single submitter. Criteria: GeneDx Variant Classification Process June 2021. Collection method: clinical testing. Allele origin: germline. Affected: yes.
Comment: In silico analysis supports that this missense variant has a deleterious effect on protein structure/function; Has not been previously published as pathogenic or benign to our knowledge; Variants in candidate genes are classified as variants of uncertain significance in accordance with ACMG guidelines (Richards et al., 2015)

Labcorp Genetics (formerly Invitae), Labcorp
Classification: Uncertain significance. Last evaluated: 2022-08-23. Review status: criteria provided, single submitter. Criteria: Invitae Variant Classification Sherloc (09022015). Collection method: clinical testing. Allele origin: germline.
Comment: In summary, the available evidence is currently insufficient to determine the role of this variant in disease. Therefore, it has been classified as a Variant of Uncertain Significance. Algorithms developed to predict the effect of missense changes on protein structure and function are either unavailable or do not agree on the potential impact of this missense change (SIFT: "Deleterious"; PolyPhen-2: "Not Available"; Align-GVGD: "Class C0"). ClinVar contains an entry for this variant (Variation ID: 1445773). This variant has not been reported in the literature in individuals affected with PCLO-related conditions. This variant is present in population databases (rs771659468, gnomAD 0.01%). This sequence change replaces proline, which is neutral and non-polar, with arginine, which is basic and polar, at codon 3620 of the PCLO protein (p.Pro3620Arg).